The following is an entry in ClinVar:

NM_014363.6(SACS):c.8344G>A (p.Ala2782Thr)

Gene: SACS (sacsin molecular chaperone; minus strand). Cytogenetic location: 13q12.12.
Variant type: single nucleotide variant.
Coding change: c.8344G>A on transcript NM_014363.6 (MANE Select); coding-DNA position 8344, G replaced by A.
Protein change: p.Ala2782Thr; replaces alanine 2782 with threonine.
Molecular consequence: missense variant.
Genome position (GRCh38, 1-based): chr13:23,335,532, C>T on the plus strand (G>A on the coding strand, the complement: SACS is on the minus strand). VCF-style: chr13-23335532-C-T. GRCh37 (hg19) VCF-style: chr13-23909671-C-T.
Other names: c.7903G>A, p.Ala2635Thr (NM_001278055.2); short protein forms A2782T, A2635T.
Identifiers: ClinVar variation 235345 (VCV000235345.17), dbSNP rs61742502, ClinGen allele CA6910778.

ClinVar aggregate classification (germline): Benign/Likely benign. Review status: criteria provided, multiple submitters, no conflicts (2 of 4 stars). 7 submissions from 7 submitters: Benign (1); Likely benign (6). Last evaluated 2021-10-08.

Conditions:
Spastic paraplegia. Identifiers: MedGen C0037772, HP:0001258.
Hereditary spastic paraplegia. Also called: Familial spastic paraparesis. Identifiers: Orphanet 685, MedGen C0037773, MONDO:0019064. Disease mechanism: loss of function.
Charlevoix-Saguenay spastic ataxia (SACS). Also called: AUTOSOMAL RECESSIVE SPASTIC ATAXIA OF CHARLEVOIX-SAGUENAY; SPASTIC ATAXIA 6, AUTOSOMAL RECESSIVE; Spastic ataxia of Charlevoix-Saguenay. Identifiers: Orphanet 98, MedGen C1849140, MONDO:0010041, OMIM 270550.

Allele frequency attached by ClinVar (database versions not stated): gnomAD exomes 0.00069 and 0.00193; ExAC 0.00217; ESP Exome Variant Server 0.00431; gnomAD 0.00719 and 0.00775; TOPMed 0.00768; 1000 Genomes Project 0.00799; 1000 Genomes Project 30x 0.00812.
gnomAD v4.1: 2,154 of 1,613,694 alleles (0.13%); highest among the groups gnomAD compares: African/African-American, 2.5%; 20 homozygotes.

Submissions (7):

Fulgent Genetics
Classification: Likely benign for Charlevoix-Saguenay spastic ataxia. Last evaluated: 2021-10-08. Review status: criteria provided, single submitter. Criteria: ACMG Guidelines, 2015. Collection method: clinical testing. Allele origin: unknown.

Labcorp Genetics (formerly Invitae), Labcorp
Classification: Benign for Spastic paraplegia. Last evaluated: 2019-12-31. Review status: criteria provided, single submitter. Criteria: Invitae Variant Classification Sherloc (09022015). Collection method: clinical testing. Allele origin: germline.

GeneDx
Classification: Likely benign. Last evaluated: 2019-06-19. Review status: criteria provided, single submitter. Criteria: GeneDx Variant Classification Process June 2021. Collection method: clinical testing. Allele origin: germline. Affected: yes.

Illumina Laboratory Services, Illumina
Classification: Likely benign for Charlevoix-Saguenay spastic ataxia. Last evaluated: 2017-10-02. Review status: criteria provided, single submitter. Criteria: ICSL Variant Classification Criteria 13 December 2019. Collection method: clinical testing. Allele origin: germline.
Comment: This variant was observed as part of a predisposition screen in an ostensibly healthy population. A literature search was performed for the gene, cDNA change, and amino acid change (where applicable). No publications were found based on this search. Allele frequency data from public databases allowed determination this variant is unlikely to cause disease. Therefore, this variant is classified as likely benign.

Genome Diagnostics Laboratory, The Hospital for Sick Children
Classification: Likely benign for Hereditary spastic paraplegia. Last evaluated: 2016-12-12. Review status: criteria provided, single submitter. Criteria: ACMG Guidelines, 2015. Collection method: clinical testing. Allele origin: germline. Affected: yes.

Center for Pediatric Genomic Medicine, Children's Mercy Hospital and Clinics
Classification: Likely benign. Last evaluated: 2015-05-21. Review status: criteria provided, single submitter. Criteria: ACMG Guidelines, 2015. Collection method: clinical testing. Allele origin: germline.
ClinVar note: Converted during submission from Likely Benign to Likely benign.

Breakthrough Genomics
Classification: Likely benign. Review status: criteria provided, single submitter. Criteria: ACMG Guidelines, 2015. Collection method: not provided. Allele origin: germline. Inheritance: Autosomal recessive inheritance. Affected: yes.